The following is an entry in ClinVar:

ClinVar aggregate classification (germline): Uncertain significance (1 of 4 stars; one submission).

Conditions:
DK1-congenital disorder of glycosylation. Also called: CONGENITAL DISORDER OF GLYCOSYLATION, TYPE Im; CDG Im; DK1 DEFICIENCY; DOLICHOL KINASE DEFICIENCY; DOLK-congenital disorder of glycosylation; Carbohydrate deficient glycoprotein syndrome type 1m. Identifiers: Orphanet 91131, MedGen C1835849, MONDO:0012556, OMIM 610768.

Submission:

Labcorp Genetics (formerly Invitae), Labcorp
Classification: Uncertain significance for DK1-congenital disorder of glycosylation. Last evaluated: 2017-04-09. Review status: criteria provided, single submitter. Criteria: Invitae Variant Classification Sherloc (09022015). Collection method: clinical testing. Allele origin: germline.
Comment: This variant is not present in population databases (ExAC no frequency) and has not been reported in the literature in individuals with a DOLK-related disease. In summary, this variant is a novel missense change that is not predicted to affect protein function. There is no indication that it causes disease, but the available evidence is currently insufficient to prove that conclusively. Therefore, it has been classified as a Variant of Uncertain Significance. Algorithms developed to predict the effect of missense changes on protein structure and function (SIFT, PolyPhen-2, Align-GVGD) all suggest that this variant is likely to be tolerated, but these predictions have not been confirmed by published functional studies. This sequence change replaces valine with alanine at codon 204 of the DOLK protein (p.Val204Ala). The valine residue is moderately conserved and there is a small physicochemical difference between valine and alanine.

NM_014908.4(DOLK):c.611T>C (p.Val204Ala)

Gene: DOLK (dolichol kinase; minus strand). Cytogenetic location: 9q34.11.
Variant type: single nucleotide variant.
Coding change: c.611T>C on transcript NM_014908.4 (MANE Select); coding-DNA position 611, T replaced by C.
Protein change: p.Val204Ala; replaces valine 204 with alanine.
Molecular consequence: missense variant.
Genome position (GRCh38, 1-based): chr9:128,946,693, A>G on the plus strand (T>C on the coding strand, the complement: DOLK is on the minus strand). VCF-style: chr9-128946693-A-G. GRCh37 (hg19) VCF-style: chr9-131708972-A-G.
Other names: short protein forms V204A.
Identifiers: ClinVar variation 464202 (VCV000464202.9), dbSNP rs1554826810, ClinGen allele CA375124793.
Genomic context (GRCh38, chr9:128,946,693, plus strand): 5'-TCCACTGGGTCCCCCTGACTTTCCACCAGTGTCAGAGAGCGCTTGATGAGCTGGTTGAGG[A>G]CAAAGCTAATGCCACCCAATACCAGCAGTGCCTCACCAGGGGTGAAGCAGCGGGGCAGCA-3'
Protein context (NP_055723.1, residues 194-214): ALLVLGGISF[Val204Ala]LNQLIKRSLT